The following is an entry in ClinVar:

ClinVar aggregate classification (germline): Uncertain significance. Review status: criteria provided, multiple submitters, no conflicts (2 of 4 stars). 2 submissions from 2 submitters: Uncertain significance (2). Last evaluated 2025-11-11.

Conditions:
Myofibrillar myopathy 5. Also called: FILAMINOPATHY, AUTOSOMAL DOMINANT; Filaminopathy (type). Identifiers: Orphanet 171445, MedGen C1836050, MONDO:0012289, OMIM 609524.
Distal myopathy with posterior leg and anterior hand involvement. Also called: WILLIAMS DISTAL MYOPATHY. Identifiers: Orphanet 63273, MedGen C3279722, MONDO:0013550, OMIM 614065.
Hypertrophic cardiomyopathy 26. Also called: Cardiomyopathy, familial hypertrophic, 26. Identifiers: Orphanet 75249, MedGen C4310749, MONDO:0014883, OMIM 617047.

Allele frequency attached by ClinVar (database versions not stated): TOPMed 0.00001.

Submissions (2):

Labcorp Genetics (formerly Invitae), Labcorp
Classification: Uncertain significance for Distal myopathy with posterior leg and anterior hand involvement; Myofibrillar myopathy 5; Hypertrophic cardiomyopathy 26. Last evaluated: 2025-11-11. Review status: criteria provided, single submitter. Criteria: Invitae Variant Classification Sherloc (09022015). Collection method: clinical testing. Allele origin: germline.
Comment: This sequence change falls in intron 36 of the FLNC gene. It does not directly change the encoded amino acid sequence of the FLNC protein. It affects a nucleotide within the consensus splice site. This variant is not present in population databases (gnomAD no frequency). This variant has been observed in individual(s) with myofibrillar myopathy (PMID: 33041974). ClinVar contains an entry for this variant (Variation ID: 2166301). Variants that disrupt the consensus splice site are a relatively common cause of aberrant splicing (PMID: 17576681, 9536098). Algorithms developed to predict the effect of sequence changes on RNA splicing suggest that this variant is not likely to affect RNA splicing. In summary, the available evidence is currently insufficient to determine the role of this variant in disease. Therefore, it has been classified as a Variant of Uncertain Significance.

Juno Genomics, Hangzhou Juno Genomics, Inc
Classification: Uncertain significance for Distal myopathy with posterior leg and anterior hand involvement; Myofibrillar myopathy 5. Review status: criteria provided, single submitter. Criteria: ACMG Guidelines, 2015. Collection method: clinical testing. Allele origin: germline. Affected: yes.
Comment: Absent from controls (or at extremely low frequency if recessive) in Genome Aggregation Database, Exome Sequencing Project, 1000 Genomes Project, or Exome Aggregation Consortium.;The prevalence of the variant in affected individuals is significantly increased compared to the prevalence in controls.;Patient's phenotype or family history is highly specific for a disease with a single genetic etiology.

Literature cited by the submitters: PubMed 33041974 (cited by Labcorp Genetics (formerly Invitae), Labcorp); PubMed 17576681 (cited by Labcorp Genetics (formerly Invitae), Labcorp); PubMed 9536098 (cited by Labcorp Genetics (formerly Invitae), Labcorp).

NM_001458.5(FLNC):c.6004+3G>A

Genes: FLNC-AS1 (FLNC antisense RNA 1; minus strand), FLNC (filamin C; plus strand). Cytogenetic location: 7q32.1.
Variant type: single nucleotide variant.
Coding change: c.6004+3G>A on transcript NM_001458.5 (MANE Select); 3 bases into the intron after coding-DNA position 6004, G replaced by A.
Molecular consequence: intron variant.
Genome position (GRCh38, 1-based): chr7:128,852,755, G>A. VCF-style: chr7-128852755-G-A. GRCh37 (hg19) VCF-style: chr7-128492809-G-A.
Other names: c.5905+3G>A (NM_001127487.2).
Identifiers: ClinVar variation 2166301 (VCV002166301.6), dbSNP rs1195984629, ClinGen allele CA833141398.